The following is an entry in ClinVar:

NM_001148.6(ANK2):c.3788G>C (p.Ser1263Thr)

Gene: ANK2 (ankyrin 2; plus strand). Cytogenetic location: 4q26.
Variant type: single nucleotide variant.
Coding change: c.3788G>C on transcript NM_001148.6 (MANE Select); coding-DNA position 3788, G replaced by C.
Protein change: p.Ser1263Thr; replaces serine 1263 with threonine.
Molecular consequence: missense variant.
Genome position (GRCh38, 1-based): chr4:113,336,773, G>C. VCF-style: chr4-113336773-G-C. GRCh37 (hg19) VCF-style: chr4-114257929-G-C.
Other names: c.3761G>C, p.Ser1254Thr (NM_001127493.3); c.3800G>C, p.Ser1267Thr (NM_001354225.2); c.3689G>C, p.Ser1230Thr (NM_001354228.2, NM_001354258.2); c.3767G>C, p.Ser1256Thr (NM_001354230.2); c.3830G>C, p.Ser1277Thr (NM_001354231.2, NM_001354242.2); c.3824G>C, p.Ser1275Thr (NM_001354232.2); c.3785G>C, p.Ser1262Thr (NM_001354235.2, NM_001354246.2, NM_001354265.2); c.3686G>C, p.Ser1229Thr (NM_001354236.2); and 31 more; short protein forms S1163T, S1192T, S1196T, S1229T, S1254T, S1258T, S1267T, S1278T.
Identifiers: ClinVar variation 2132494 (VCV002132494.4), dbSNP rs2503211508, ClinGen allele CA357938950.

ClinVar aggregate classification (germline): Uncertain significance (1 of 4 stars; one submission).

Conditions:
Long QT syndrome (LQTS). Identifiers: MedGen C0023976, MeSH D008133, MONDO:0002442. Disease mechanism: loss of function. Inheritance: Various modes of inheritance.

Submission:

Labcorp Genetics (formerly Invitae), Labcorp
Classification: Uncertain significance for Long QT syndrome. Last evaluated: 2022-05-10. Review status: criteria provided, single submitter. Criteria: Invitae Variant Classification Sherloc (09022015). Collection method: clinical testing. Allele origin: germline.
Comment: In summary, the available evidence is currently insufficient to determine the role of this variant in disease. Therefore, it has been classified as a Variant of Uncertain Significance. Algorithms developed to predict the effect of missense changes on protein structure and function are either unavailable or do not agree on the potential impact of this missense change (SIFT: "Tolerated"; PolyPhen-2: "Probably Damaging"; Align-GVGD: "Class C0"). This variant has not been reported in the literature in individuals affected with ANK2-related conditions. This variant is not present in population databases (gnomAD no frequency). This sequence change replaces serine, which is neutral and polar, with threonine, which is neutral and polar, at codon 1263 of the ANK2 protein (p.Ser1263Thr).